The following is an entry in ClinVar:

NM_178857.6(RP1L1):c.5610G>A (p.Glu1870=)

Gene: RP1L1 (RP1 like 1). Cytogenetic location: 8p23.1.
Variant type: single nucleotide variant.
Coding change: c.5610G>A on transcript NM_178857.6 (MANE Select); coding-DNA position 5610, G replaced by A.
Protein change: p.Glu1870=; no amino-acid change (glutamic acid 1870 retained).
Molecular consequence: synonymous variant.
Genome position (GRCh38, 1-based): chr8:10,608,488, C>T on the plus strand (G>A on the coding strand, the complement: RP1L1 is on the minus strand). VCF-style: chr8-10608488-C-T. GRCh37 (hg19) VCF-style: chr8-10465998-C-T.
Identifiers: ClinVar variation 2658386 (VCV002658386.24), dbSNP rs146509318, ClinGen allele CA171940708.

ClinVar aggregate classification (germline): Likely benign (1 of 4 stars; one submission).

Submission:

CeGaT Center for Human Genetics Tuebingen
Classification: Likely benign. Last evaluated: 2026-03-01. Review status: criteria provided, single submitter. Criteria: CeGaT Center For Human Genetics Tuebingen Variant Classification Criteria Version 2. Collection method: clinical testing. Allele origin: germline. Affected: yes. Observed: 5 variant alleles.
Comment: RP1L1: BP4, BP7